The following is an entry in ClinVar:

NM_001379500.1(COL18A1):c.593_605dup (p.Leu203fs)

Gene: COL18A1 (collagen type XVIII alpha 1 chain; plus strand). Cytogenetic location: 21q22.3.
Variant type: Duplication.
Coding change: c.593_605dup on transcript NM_001379500.1 (MANE Select); coding-DNA positions 593 to 605, 13 bases duplicated (AGCCTGGCGCCGG).
Protein change: p.Leu203fs; shifts the reading frame from leucine 203.
Molecular consequence: frameshift variant.
Genome position (GRCh38, 1-based): chr21:45,468,728-45,468,740, AGCCTGGCGCCGG duplicated; duplicating any 13 consecutive bases within chr21:45,468,726-45,468,740 gives the same sequence; the c. name uses the placement nearest the transcript's 3' end. VCF-style (leftmost placement, unchanged base first): chr21-45468725-T-TGGAGCCTGGCGCC. GRCh37 (hg19) VCF-style: chr21-46888639-T-TGGAGCCTGGCGCC.
Other names: c.1133_1145dup, p.Leu383fs (NM_030582.4); c.1838_1850dup, p.Leu618fs (NM_130444.3); short protein forms L383fs, L618fs, L203fs.
Identifiers: ClinVar variation 4992509 (VCV004992509.1).
Genomic context (GRCh38, chr21:45,468,725, plus strand): 5'-ACGTGGACTGTGAGGAGTTCCAGAGAATGCCGCTTGCTCGGTCCTCACGGGGCCTGGAGC[T>TGGAGCCTGGCGCC]GGAGCCTGGCGCCGGGCTCTTCGTGGCTCAGGCGGGGGGAGCGGACCCTGACAAGTTCCA-3'

ClinVar aggregate classification (germline): Likely pathogenic (1 of 4 stars; one submission).

Conditions:
COL18A1-related disorder. Also called: COL18A1-related condition; COL18A1-related disorders.

Submission:

PreventionGenetics, part of Exact Sciences
Classification: Likely pathogenic for COL18A1-related condition. Last evaluated: 2026-07-15. Review status: criteria provided, single submitter. Criteria: ACMG Guidelines, 2015. Collection method: clinical testing. Allele origin: germline.
Comment: The COL18A1 c.1133_1145dup13 variant is predicted to result in a frameshift and premature protein termination (p.Leu383Alafs*16). To our knowledge, this variant has not been reported in the literature. This variant is absent in a large population database (gnomAD), indicating this variant is rare. Frameshift variants in COL18A1 are an established mechanism of disease. This variant is interpreted as likely pathogenic.